The following is an entry in ClinVar:

ClinVar aggregate classification (germline): Conflicting classifications of pathogenicity. Review status: criteria provided, conflicting classifications (1 of 4 stars). 3 submissions from 3 submitters: Pathogenic (2); Uncertain significance (1). Last evaluated 2026-05-29.

Conditions:
FBXW7-related disorder. Also called: FBXW7-related disorders; FBXW7-related condition.

Submissions (6):

PreventionGenetics, part of Exact Sciences
Classification: Pathogenic for FBXW7-related condition. Last evaluated: 2026-05-29. Review status: criteria provided, single submitter. Criteria: ACMG Guidelines, 2015. Collection method: clinical testing. Allele origin: germline.
Comment: The FBXW7 c.1099C>T variant is predicted to result in premature protein termination (p.Arg367*). To our knowledge, this variant has not been reported in the literature or in a large population database (gnomAD), indicating this variant is rare. It has conflicting interpretations in ClinVar ranging from pathogenic to uncertain (Variation ID: 2446061). Nonsense variants in FBXW7 are expected to be pathogenic. This variant is interpreted as pathogenic.

Labcorp Genetics (formerly Invitae), Labcorp
Classification: Pathogenic. Last evaluated: 2025-02-08. Review status: criteria provided, single submitter. Criteria: Invitae Variant Classification Sherloc (09022015). Collection method: clinical testing. Allele origin: germline.
Comment: This sequence change creates a premature translational stop signal (p.Arg367*) in the FBXW7 gene. It is expected to result in an absent or disrupted protein product. Loss-of-function variants in FBXW7 are known to be pathogenic (PMID: 35395208). This variant is not present in population databases (gnomAD no frequency). This variant has not been reported in the literature in individuals affected with FBXW7-related conditions. ClinVar contains an entry for this variant (Variation ID: 2446061). Algorithms developed to predict the effect of sequence changes on RNA splicing suggest that this variant may disrupt the consensus splice site. For these reasons, this variant has been classified as Pathogenic.

GeneDx
Classification: Uncertain significance. Last evaluated: 2022-09-26. Review status: criteria provided, single submitter. Criteria: GeneDx Variant Classification Process June 2021. Collection method: clinical testing. Allele origin: germline. Affected: yes.
Comment: Not observed at significant frequency in large population cohorts (gnomAD); Nonsense variant predicted to result in protein truncation or nonsense mediated decay in a gene for which loss of function is a known mechanism of disease; Has not been previously published as pathogenic or benign to our knowledge; This variant is associated with the following publications: (PMID: 35255903)

Dr. Peter K. Rogan Lab, Western University
No classification provided (evidence only). Condition: Colorectal cancer. Review status: no classification provided. Collection method: in vitro. Allele origin: not applicable. Functional consequence: retained intron. Not counted in ClinVar's aggregate classification.

Dr. Peter K. Rogan Lab, Western University
No classification provided (evidence only). Condition: Squamous cell lung carcinoma. Review status: no classification provided. Collection method: in vitro. Allele origin: not applicable. Functional consequence: retained intron. Not counted in ClinVar's aggregate classification.

Dr. Peter K. Rogan Lab, Western University
No classification provided (evidence only). Condition: Cervical cancer. Review status: no classification provided. Collection method: in vitro. Allele origin: not applicable. Functional consequence: retained intron. Not counted in ClinVar's aggregate classification.

Literature cited by the submitters: PubMed 35395208 (cited by Labcorp Genetics (formerly Invitae), Labcorp).

NM_001349798.2(FBXW7):c.1099C>T (p.Arg367Ter)

Gene: FBXW7 (F-box and WD repeat domain containing 7; minus strand). Cytogenetic location: 4q31.3.
Variant type: single nucleotide variant.
Coding change: c.1099C>T on transcript NM_001349798.2 (MANE Select); coding-DNA position 1099, C replaced by T.
Protein change: p.Arg367Ter; replaces arginine 367 with a stop codon.
Molecular consequence: nonsense.
Genome position (GRCh38, 1-based): chr4:152,330,755, G>A on the plus strand (C>T on the coding strand, the complement: FBXW7 is on the minus strand). VCF-style: chr4-152330755-G-A. GRCh37 (hg19) VCF-style: chr4-153251907-G-A.
Other names: c.745C>T, p.Arg249Ter (NM_001013415.2); c.859C>T, p.Arg287Ter (NM_018315.5); c.1099C>T, p.Arg367Ter (NM_033632.3); short protein forms R249*, R287*, R367*.
Identifiers: ClinVar variation 2446061 (VCV002446061.5), dbSNP rs1729492561, ClinGen allele CA358619510.